The following is an entry in ClinVar:

NM_000057.4(BLM):c.2674A>G (p.Ile892Val)

Gene: BLM (BLM RecQ like helicase; plus strand). Cytogenetic location: 15q26.1.
Variant type: single nucleotide variant.
Coding change: c.2674A>G on transcript NM_000057.4 (MANE Select); coding-DNA position 2674, A replaced by G.
Protein change: p.Ile892Val; replaces isoleucine 892 with valine.
Molecular consequence: missense variant.
Genome position (GRCh38, 1-based): chr15:90,784,932, A>G. VCF-style: chr15-90784932-A-G. GRCh37 (hg19) VCF-style: chr15-91328162-A-G.
Other names: c.2674A>G (LRG_20t1); c.2674A>G, p.Ile892Val (NM_001287246.2, NM_001287247.2); c.1549A>G, p.Ile517Val (NM_001287248.2); short protein forms I892V, I517V.
Identifiers: ClinVar variation 485341 (VCV000485341.20), dbSNP rs764587569, ClinGen allele CA7738854.

ClinVar aggregate classification (germline): Uncertain significance. Review status: criteria provided, multiple submitters, no conflicts (2 of 4 stars). 5 submissions from 5 submitters: Uncertain significance (4). 1 of the submissions does not count toward it. Last evaluated 2024-09-25.

Conditions:
Bloom syndrome (BLM). Also called: Bloom-Torre-Machacek syndrome. Identifiers: Orphanet 125, MedGen C0005859, MONDO:0008876, OMIM 210900.
Hereditary cancer-predisposing syndrome. Also called: Neoplastic Syndromes, Hereditary; Tumor predisposition; Hereditary Cancer Syndrome; Hereditary neoplastic syndrome. Identifiers: Orphanet 140162, MedGen C0027672, MeSH D009386, MONDO:0015356.

Allele frequency attached by ClinVar (database versions not stated): gnomAD exomes below 0.00001 and 0.00001; ExAC 0.00001; gnomAD 0.00001; TOPMed 0.00002.
gnomAD v4.1: 10 of 1,613,582 alleles (0.00062%); highest among the groups gnomAD compares: African/African-American, 0.0027%; no homozygotes.

Submissions (5):

Labcorp Genetics (formerly Invitae), Labcorp
Classification: Uncertain significance for Bloom syndrome. Last evaluated: 2024-09-25. Review status: criteria provided, single submitter. Criteria: Invitae Variant Classification Sherloc (09022015). Collection method: clinical testing. Allele origin: germline.
Comment: This sequence change replaces isoleucine, which is neutral and non-polar, with valine, which is neutral and non-polar, at codon 892 of the BLM protein (p.Ile892Val). This variant is present in population databases (rs764587569, gnomAD 0.0009%). This variant has not been reported in the literature in individuals affected with BLM-related conditions. ClinVar contains an entry for this variant (Variation ID: 485341). Invitae Evidence Modeling of protein sequence and biophysical properties (such as structural, functional, and spatial information, amino acid conservation, physicochemical variation, residue mobility, and thermodynamic stability) indicates that this missense variant is expected to disrupt BLM protein function with a positive predictive value of 80%. RNA analysis performed to evaluate the impact of this missense change on mRNA splicing indicates it does not significantly alter splicing (internal data). In summary, the available evidence is currently insufficient to determine the role of this variant in disease. Therefore, it has been classified as a Variant of Uncertain Significance.

Quest Diagnostics Nichols Institute San Juan Capistrano
Classification: Uncertain significance. Last evaluated: 2024-08-12. Review status: criteria provided, single submitter. Criteria: Quest Diagnostics criteria. Collection method: clinical testing. Allele origin: unknown.
Comment: The BLM c.2674A>G (p.Ile892Val) variant has not been reported in individuals with BLM-related conditions in the published literature. The frequency of this variant in the general population, 0.000004 (1/251326 chromosomes (Genome Aggregation Database)), is uninformative in the assessment of its pathogenicity. Analysis of this variant using bioinformatics tools for the prediction of the effect of amino acid changes on protein structure and function yielded predictions that this variant is damaging. Additional analysis using software algorithms for the prediction of the effect of nucleotide changes on BLM mRNA splicing yielded predictions that this variant may result in the gain of a cryptic splice site without affecting the natural splice sites. Based on the available information, we are unable to determine the clinical significance of this variant.

Ambry Genetics
Classification: Uncertain significance for Hereditary cancer-predisposing syndrome. Last evaluated: 2024-07-28. Review status: criteria provided, single submitter. Criteria: Ambry Variant Classification Scheme 2023. Collection method: clinical testing. Allele origin: germline.
Comment: The p.I892V variant (also known as c.2674A>G), located in coding exon 13 of the BLM gene, results from an A to G substitution at nucleotide position 2674. The isoleucine at codon 892 is replaced by valine, an amino acid with highly similar properties. This amino acid position is highly conserved in available vertebrate species. In addition, the in silico prediction for this alteration is inconclusive. Since supporting evidence is limited at this time, the clinical significance of this alteration remains unclear.

Fulgent Genetics
Classification: Uncertain significance for Bloom syndrome. Last evaluated: 2021-08-04. Review status: criteria provided, single submitter. Criteria: ACMG Guidelines, 2015. Collection method: clinical testing. Allele origin: unknown.

Natera, Inc.
Classification: Uncertain significance for Bloom syndrome. Last evaluated: 2018-11-29. Review status: no assertion criteria provided. Collection method: clinical testing. Allele origin: germline. Not counted in ClinVar's aggregate classification.